The following is an entry in ClinVar:

ClinVar aggregate classification (germline): Likely benign. Review status: criteria provided, multiple submitters, no conflicts (2 of 4 stars). 7 submissions from 7 submitters: Likely benign (7). Last evaluated 2026-06-02.

Conditions:
Inborn genetic diseases. Identifiers: MedGen C0950123, MeSH D030342.
Charcot-Marie-Tooth disease type 4. Also called: Charcot-Marie-Tooth disease, type IV; Charcot-Marie-Tooth, Type 4. Identifiers: Orphanet 64749, MedGen C4082197, MONDO:0018995.
Charcot-Marie-Tooth disease. Also called: Charcot-Marie-Tooth Hereditary Neuropathy; Charcot-Marie-Tooth Neuropathy. Identifiers: Orphanet 166, MedGen C0007959, MONDO:0015626.
MTMR2-related disorder. Also called: MTMR2-related condition.

Allele frequency attached by ClinVar (database versions not stated): gnomAD 0.00008 and 0.00009; TOPMed 0.00014; gnomAD exomes 0.00016 and 0.00017; ExAC 0.00019; ESP Exome Variant Server 0.00023.
gnomAD v4.1: 255 of 1,613,828 alleles (0.016%); highest among the groups gnomAD compares: Admixed American, 0.032%; 1 homozygote.

Submissions (7):

PreventionGenetics, part of Exact Sciences
Classification: Likely benign for MTMR2-related condition. Last evaluated: 2026-06-02. Review status: criteria provided, single submitter. Criteria: ACMG Guidelines, 2015. Collection method: clinical testing. Allele origin: germline.
Comment: This variant is classified as likely benign based on ACMG/AMP sequence variant interpretation guidelines (Richards et al. 2015 PMID: 25741868, with internal and published modifications).

Labcorp Genetics (formerly Invitae), Labcorp
Classification: Likely benign for Charcot-Marie-Tooth disease type 4. Last evaluated: 2025-06-16. Review status: criteria provided, single submitter. Criteria: Invitae Variant Classification Sherloc (09022015). Collection method: clinical testing. Allele origin: germline.

CeGaT Center for Human Genetics Tuebingen
Classification: Likely benign. Last evaluated: 2025-02-01. Review status: criteria provided, single submitter. Criteria: CeGaT Center For Human Genetics Tuebingen Variant Classification Criteria Version 2. Collection method: clinical testing. Allele origin: germline. Affected: yes. Observed: 1 variant allele.
Comment: MTMR2: BP4, BP7

Blueprint Genetics
Classification: Likely benign. Last evaluated: 2024-11-23. Review status: criteria provided, single submitter. Criteria: ACMG Guidelines, 2015. Collection method: clinical testing. Allele origin: germline.

GeneDx
Classification: Likely benign. Last evaluated: 2020-09-03. Review status: criteria provided, single submitter. Criteria: GeneDx Variant Classification Process June 2021. Collection method: clinical testing. Allele origin: germline. Affected: yes.

Ambry Genetics
Classification: Likely benign for Inborn genetic diseases. Last evaluated: 2019-07-11. Review status: criteria provided, single submitter. Criteria: Ambry Variant Classification Scheme 2023. Collection method: clinical testing. Allele origin: germline.

Molecular Genetics Laboratory, London Health Sciences Centre
Classification: Likely benign for Charcot-Marie-Tooth disease. Review status: criteria provided, single submitter. Criteria: ACMG Guidelines, 2015. Collection method: clinical testing. Allele origin: germline. Affected: yes.

NM_016156.6(MTMR2):c.279T>C (p.Tyr93=)

Gene: MTMR2 (myotubularin related protein 2; minus strand). Cytogenetic location: 11q21.
Variant type: single nucleotide variant.
Coding change: c.279T>C on transcript NM_016156.6 (MANE Select); coding-DNA position 279, T replaced by C.
Protein change: p.Tyr93=; no amino-acid change (tyrosine 93 retained).
Molecular consequence: synonymous variant.
Genome position (GRCh38, 1-based): chr11:95,862,350, A>G on the plus strand (T>C on the coding strand, the complement: MTMR2 is on the minus strand). VCF-style: chr11-95862350-A-G. GRCh37 (hg19) VCF-style: chr11-95595514-A-G.
Other names: c.63T>C, p.Tyr21= (NM_001243571.2, NM_201278.3, NM_201281.3).
Identifiers: ClinVar variation 383870 (VCV000383870.32), dbSNP rs372937811, ClinGen allele CA6240380.
Genomic context (GRCh38, chr11:95,862,350, plus strand): 5'-ATATAACCTATAATTCGTGACAGTCAGAGTTCCTCGTACAGCGCCAGTGAATGGACATAT[A>G]TAAGTTACATCTTTGGCTGAAAAAGCAAGAAGTCCACAGTTTACTATACATTATGTGCTA-3'
Protein context (NP_057240.3, residues 83-103): NIKDMAKDVT[Tyr93=]ICPFTGAVRG